The following is an entry in ClinVar:

ClinVar aggregate classification (germline): Pathogenic/Likely pathogenic. Review status: criteria provided, multiple submitters, no conflicts (2 of 4 stars). 2 submissions from 2 submitters: Pathogenic (1); Likely pathogenic (1). Last evaluated 2025-07-07.

Conditions:
Autosomal recessive nonsyndromic hearing loss 77. Identifiers: Orphanet 90636, MedGen C2746083, MONDO:0013119, OMIM 613079.

Submissions (2):

Natera, Inc.
Classification: Likely pathogenic for Autosomal recessive deafness type 77. Last evaluated: 2025-07-07. Review status: criteria provided, single submitter. Criteria: Natera Variant Classification Schema (03/2026). Collection method: clinical testing. Allele origin: germline.
Comment: The c.1506G>A variant in LOXHD1 is a nonsense variant predicted to introduce a stop codon at amino acid 502. This variant is expected to result in nonsense mediated decay, truncation, or a dysfunctional protein product. This variant is rare in the general population with a frequency below the threshold expected for the associated phenotype(s). Given the available evidence, this variant is classified as Likely Pathogenic.

Labcorp Genetics (formerly Invitae), Labcorp
Classification: Pathogenic. Last evaluated: 2023-09-06. Review status: criteria provided, single submitter. Criteria: Invitae Variant Classification Sherloc (09022015). Collection method: clinical testing. Allele origin: germline.
Comment: For these reasons, this variant has been classified as Pathogenic. ClinVar contains an entry for this variant (Variation ID: 643784). This variant has not been reported in the literature in individuals affected with LOXHD1-related conditions. This variant is not present in population databases (gnomAD no frequency). This sequence change creates a premature translational stop signal (p.Trp502*) in the LOXHD1 gene. It is expected to result in an absent or disrupted protein product. Loss-of-function variants in LOXHD1 are known to be pathogenic (PMID: 19732867, 21465660, 25792669).

Literature cited by the submitters: PubMed 19732867 (cited by Labcorp Genetics (formerly Invitae), Labcorp); PubMed 21465660 (cited by Labcorp Genetics (formerly Invitae), Labcorp); PubMed 25792669 (cited by Labcorp Genetics (formerly Invitae), Labcorp).

NM_001384474.1(LOXHD1):c.1506G>A (p.Trp502Ter)

Gene: LOXHD1 (lipoxygenase homology PLAT domains 1; minus strand). Cytogenetic location: 18q21.1.
Variant type: single nucleotide variant.
Coding change: c.1506G>A on transcript NM_001384474.1 (MANE Select); coding-DNA position 1506, G replaced by A.
Protein change: p.Trp502Ter; replaces tryptophan 502 with a stop codon.
Molecular consequence: nonsense.
Genome position (GRCh38, 1-based): chr18:46,592,510, C>T on the plus strand (G>A on the coding strand, the complement: LOXHD1 is on the minus strand). VCF-style: chr18-46592510-C-T. GRCh37 (hg19) VCF-style: chr18-44172473-C-T.
Other names: c.1506G>A, p.Trp502Ter (NM_144612.7); short protein forms W502*.
Identifiers: ClinVar variation 643784 (VCV000643784.7), dbSNP rs1599034650, ClinGen allele CA402380384.